The following is an entry in ClinVar:

NM_025114.4(CEP290):c.7381GCT[1] (p.Ala2462del)

Genes: RLIG1 (RNA 5'-phosphate and 3'-OH ligase 1; plus strand), CEP290 (centrosomal protein 290; minus strand). Cytogenetic location: 12q21.32.
Variant type: Microsatellite.
Coding change: c.7381GCT[1] on transcript NM_025114.4 (MANE Select); one copy of the 3-base unit GCT starting at c.7381; the reference has two copies in a row; one copy, 3 bases deleted; also written c.7384_7386del.
Protein change: p.Ala2462del; deletes alanine 2462.
Molecular consequence: inframe deletion. On other transcripts: 3 prime UTR variant (1).
Genome position (GRCh38, 1-based): chr12:88,049,238-88,049,240, AGC deleted on the plus strand (GCT on the coding strand, the reverse complement: CEP290 is on the minus strand); deleting any 3 consecutive bases within chr12:88,049,238-88,049,244 gives the same sequence; the position shown is the placement nearest the transcript's 3' end. VCF-style (leftmost placement, unchanged base first): chr12-88049237-AAGC-A. GRCh37 (hg19) VCF-style: chr12-88443014-AAGC-A.
Other names: c.*817GCA[1] (NM_001009894.3); c.7384_7386del (NM_025114.4); short protein forms A2462del.
Identifiers: ClinVar variation 1056716 (VCV001056716.3), dbSNP rs1345322609, ClinGen allele CA606675597.

ClinVar aggregate classification (germline): Uncertain significance. Review status: criteria provided, single submitter (1 of 4 stars). 2 submissions from 2 submitters: Uncertain significance (1). 1 of the submissions does not count toward it. Last evaluated 2022-08-31.

Conditions:
Joubert syndrome. Also called: Familial aplasia of the vermis; CEREBELLOPARENCHYMAL DISORDER IV; JOUBERT-BOLTSHAUSER SYNDROME. Identifiers: Orphanet 475, MedGen C5979921, MONDO:0018772.
Meckel-Gruber syndrome. Also called: Dysencephalia splachnocystica; DYSENCEPHALIA SPLANCHNOCYSTICA; GRUBER SYNDROME. Identifiers: Orphanet 564, MedGen C0265215, MONDO:0018921.
Nephronophthisis. Also called: Juvenile Nephronophthisis. Identifiers: Orphanet 655, MedGen C0687120, MONDO:0019005, HP:0000090.
Leber congenital amaurosis (LCA). Also called: Leber's amaurosis. Identifiers: Orphanet 65, MedGen C0339527, MeSH D057130, MONDO:0018998.

Submissions (2):

Labcorp Genetics (formerly Invitae), Labcorp
Classification: Uncertain significance for Joubert syndrome; Meckel-Gruber syndrome; Nephronophthisis. Last evaluated: 2022-08-31. Review status: criteria provided, single submitter. Criteria: Invitae Variant Classification Sherloc (09022015). Collection method: clinical testing. Allele origin: germline.
Comment: This variant, c.7384_7386del, results in the deletion of 1 amino acid(s) of the CEP290 protein (p.Ala2462del), but otherwise preserves the integrity of the reading frame. This variant is present in population databases (no rsID available, gnomAD 0.2%), and has an allele count higher than expected for a pathogenic variant. This variant has not been reported in the literature in individuals affected with CEP290-related conditions. Experimental studies and prediction algorithms are not available or were not evaluated, and the functional significance of this variant is currently unknown. In summary, the available evidence is currently insufficient to determine the role of this variant in disease. Therefore, it has been classified as a Variant of Uncertain Significance.

Natera, Inc.
Classification: Uncertain significance for Leber congenital amaurosis. Last evaluated: 2020-01-24. Review status: no assertion criteria provided. Collection method: clinical testing. Allele origin: germline. Not counted in ClinVar's aggregate classification.